The following is an entry in ClinVar:

NM_000135.4(FANCA):c.2869T>G (p.Trp957Gly)

Gene: FANCA (FA complementation group A; minus strand). Cytogenetic location: 16q24.3.
Variant type: single nucleotide variant.
Coding change: c.2869T>G on transcript NM_000135.4 (MANE Select); coding-DNA position 2869, T replaced by G.
Protein change: p.Trp957Gly; replaces tryptophan 957 with glycine.
Molecular consequence: missense variant.
Genome position (GRCh38, 1-based): chr16:89,758,689, A>C on the plus strand (T>G on the coding strand, the complement: FANCA is on the minus strand). VCF-style: chr16-89758689-A-C. GRCh37 (hg19) VCF-style: chr16-89825097-A-C.
Other names: c.2869T>G, p.Trp957Gly (NM_001286167.3); short protein forms W957G.
Identifiers: ClinVar variation 4817524 (VCV004817524.1).

ClinVar aggregate classification (germline): Likely pathogenic (1 of 4 stars; one submission).

Conditions:
Fanconi anemia (FA). Also called: Fanconi's anemia. Identifiers: Orphanet 84, MedGen C0015625, MeSH D005199, MONDO:0019391.

gnomAD v4.1: 1 of 1,613,742 alleles (0.000062%); highest among the groups gnomAD compares: East Asian, 0.0022%; no homozygotes.

Submission:

Natera, Inc.
Classification: Likely pathogenic for Fanconi anemia. Last evaluated: 2024-05-28. Review status: criteria provided, single submitter. Criteria: Natera Variant Classification Schema (03/2026). Collection method: clinical testing. Allele origin: germline.
Comment: The c.2869T>G variant in FANCA is a missense variant predicted to cause substitution of tryptophan to glycine at amino acid 957. This variant is rare in the general population with a frequency below the threshold expected for the associated phenotype(s). This variant has been observed in one or more individuals affected with the associated recessive disease, as either homozygous or compound heterozygous with a second variant (PMID: 30031030). Functional studies show that this variant may disrupt protein function (PMID: 30031030). Computational prediction algorithms indicate this variant is likely to affect gene or protein function. Given the available evidence, this variant is classified as Likely Pathogenic.

Literature cited by the submitters: PubMed 30031030.